The following is an entry in ClinVar:

NM_003086.4(SNAPC4):c.4296C>T (p.Asp1432=)

Gene: SNAPC4 (small nuclear RNA activating complex polypeptide 4; minus strand). Cytogenetic location: 9q34.3.
Variant type: single nucleotide variant.
Coding change: c.4296C>T on transcript NM_003086.4 (MANE Select); coding-DNA position 4296, C replaced by T.
Protein change: p.Asp1432=; no amino-acid change (aspartic acid 1432 retained).
Molecular consequence: synonymous variant.
Genome position (GRCh38, 1-based): chr9:136,376,470, G>A on the plus strand (C>T on the coding strand, the complement: SNAPC4 is on the minus strand). VCF-style: chr9-136376470-G-A. GRCh37 (hg19) VCF-style: chr9-139270922-G-A.
Other names: c.4296C>T, p.Asp1432= (NM_001394201.1); c.4212C>T, p.Asp1404= (NM_001394202.1, NM_001394203.1).
Identifiers: ClinVar variation 4085562 (VCV004085562.8).
Genomic context (GRCh38, chr9:136,376,470, plus strand): 5'-GTCCAGGTCGTCAGGGTCATTAGAAGTATCCAGGCAGGAGGAAGCAGAGCATTTACCAGA[G>A]TCTGGGGCTCCCTGAAAGAAAATCCAGGCAGTGGGGACAAGAGTGACACCCCCGAGCCAT-3'
Protein context (NP_003077.2, residues 1422-1442): TATCPIQGAP[Asp1432=]SGKCSASSCL

ClinVar aggregate classification (germline): Likely benign (1 of 4 stars; one submission).

gnomAD v4.1: 8 of 1,613,204 alleles (0.0005%); highest among the groups gnomAD compares: South Asian, 0.0077%; no homozygotes.

Submission:

CeGaT Center for Human Genetics Tuebingen
Classification: Likely benign. Last evaluated: 2025-07-01. Review status: criteria provided, single submitter. Criteria: CeGaT Center For Human Genetics Tuebingen Variant Classification Criteria Version 2. Collection method: clinical testing. Allele origin: germline. Affected: yes. Observed: 1 variant allele.
Comment: SNAPC4: BP4, BP7